The following is an entry in ClinVar:

NM_152418.4(DCAF4L2):c.1083C>T (p.Asn361=)

Gene: DCAF4L2 (DDB1 and CUL4 associated factor 4 like 2; minus strand). Cytogenetic location: 8q21.3.
Variant type: single nucleotide variant.
Coding change: c.1083C>T on transcript NM_152418.4 (MANE Select); coding-DNA position 1083, C replaced by T.
Protein change: p.Asn361=; no amino-acid change (asparagine 361 retained).
Molecular consequence: synonymous variant.
Genome position (GRCh38, 1-based): chr8:87,872,889, G>A on the plus strand (C>T on the coding strand, the complement: DCAF4L2 is on the minus strand). VCF-style: chr8-87872889-G-A. GRCh37 (hg19) VCF-style: chr8-88885117-G-A.
Identifiers: ClinVar variation 3048183 (VCV003048183.2), dbSNP rs141776325, ClinGen allele CA4801091.
Genomic context (GRCh38, chr8:87,872,889, plus strand): 5'-CAGCCCTGGTGCTCCTCGGAAGCCCCCGAGGCGAGAAGAGAAGGCCACACTGGGAATGTC[G>A]TTCTCCGAGGCGGGGTATGGGGAGGGTATGGTTGTGAGCAGGTGGCCATGACGGAGGCTC-3'
Protein context (NP_689631.1, residues 351-371): TIPSPYPASE[Asn361=]DIPSVAFSSR

ClinVar aggregate classification (germline): Likely benign (0 of 4 stars; one submission).

Conditions:
DCAF4L2-related disorder. Also called: DCAF4L2-related condition.

Allele frequency attached by ClinVar (database versions not stated): gnomAD exomes 0.00009; ExAC 0.00024; gnomAD 0.00074; TOPMed 0.00075; ESP Exome Variant Server 0.00100; 1000 Genomes Project 30x 0.00109; 1000 Genomes Project 0.00120.

Submission:

PreventionGenetics, part of Exact Sciences
Classification: Likely benign for DCAF4L2-related condition. Last evaluated: 2019-12-06. Review status: no assertion criteria provided. Collection method: clinical testing. Allele origin: germline.
Comment: This variant is classified as likely benign based on ACMG/AMP sequence variant interpretation guidelines (Richards et al. 2015 PMID: 25741868, with internal and published modifications).